The following is an entry in ClinVar:

NM_000051.4(ATM):c.24_29dup (p.Leu9_Ile10insMetLeu)

Gene: ATM (ATM serine/threonine kinase; plus strand). Cytogenetic location: 11q22.3.
Variant type: Duplication.
Coding change: c.24_29dup on transcript NM_000051.4 (MANE Select); coding-DNA positions 24 to 29, 6 bases duplicated (GCTTAT; older notation c.24_29dupGCTTAT).
Protein change: p.Leu9_Ile10insMetLeu.
Molecular consequence: inframe insertion.
Genome position (GRCh38, 1-based): chr11:108,227,648-108,227,653, GCTTAT duplicated; duplicating any 6 consecutive bases within chr11:108,227,647-108,227,653 gives the same sequence; the c. name uses the placement nearest the transcript's 3' end. VCF-style (leftmost placement, unchanged base first): chr11-108227646-C-CTGCTTA. GRCh37 (hg19) VCF-style: chr11-108098373-C-CTGCTTA.
Other names: c.24_29dup, p.Leu9_Ile10insMetLeu (NM_001351834.2, NM_001351835.2, NM_001351836.2).
Identifiers: ClinVar variation 2851523 (VCV002851523.3), dbSNP rs2496888118, ClinGen allele CA2739270895.

ClinVar aggregate classification (germline): Uncertain significance (1 of 4 stars; one submission).

Conditions:
Ataxia-telangiectasia syndrome (AT). Also called: LOUIS-BAR SYNDROME; Cerebello-oculocutaneous telangiectasia; Immunodeficiency with ataxia telangiectasia; Ataxia telangiectasia (A-T); ATAXIA-TELANGIECTASIA, COMPLEMENTATION GROUP A; ATAXIA-TELANGIECTASIA, FRESNO VARIANT. Identifiers: Orphanet 100, MedGen C0004135, MONDO:0008840, OMIM 208900.

Submission:

Labcorp Genetics (formerly Invitae), Labcorp
Classification: Uncertain significance for Ataxia-telangiectasia syndrome. Last evaluated: 2023-04-02. Review status: criteria provided, single submitter. Criteria: Invitae Variant Classification Sherloc (09022015). Collection method: clinical testing. Allele origin: germline.
Comment: This variant, c.24_29dup, results in the insertion of 2 amino acid(s) of the ATM protein (p.Leu9_Ile10insMetLeu), but otherwise preserves the integrity of the reading frame. This variant is not present in population databases (gnomAD no frequency). This variant has not been reported in the literature in individuals affected with ATM-related conditions. In summary, the available evidence is currently insufficient to determine the role of this variant in disease. Therefore, it has been classified as a Variant of Uncertain Significance.